The following is an entry in ClinVar:

NM_020975.6(RET):c.1460C>G (p.Ala487Gly)

Gene: RET (ret proto-oncogene; plus strand). Cytogenetic location: 10q11.21.
Variant type: single nucleotide variant.
Coding change: c.1460C>G on transcript NM_020975.6 (MANE Select); coding-DNA position 1460, C replaced by G.
Protein change: p.Ala487Gly; replaces alanine 487 with glycine.
Molecular consequence: missense variant.
Genome position (GRCh38, 1-based): chr10:43,111,403, C>G. VCF-style: chr10-43111403-C-G. GRCh37 (hg19) VCF-style: chr10-43606851-C-G.
Other names: c.1460C>G, p.Ala487Gly (NM_000323.2, NM_001406743.1, NM_001406744.1 and 6 more transcripts); c.698C>G, p.Ala233Gly (NM_001355216.2); c.1331C>G, p.Ala444Gly (NM_001406761.1, NM_001406762.1, NM_001406764.1 and 1 more transcripts); c.1172C>G, p.Ala391Gly (NM_001406766.1, NM_001406767.1, NM_001406770.1); c.1064C>G, p.Ala355Gly (NM_001406769.1, NM_001406772.1); c.1022C>G, p.Ala341Gly (NM_001406771.1, NM_001406773.1); c.935C>G, p.Ala312Gly (NM_001406774.1); c.734C>G, p.Ala245Gly (NM_001406775.1, NM_001406776.1, NM_001406777.1 and 1 more transcripts); and 1 more; short protein forms A487G, A233G, A157G, A245G, A312G, A341G, A355G, A391G.
Identifiers: ClinVar variation 941266 (VCV000941266.11), dbSNP rs1837922418, ClinGen allele CA376549741.

ClinVar aggregate classification (germline): Uncertain significance. Review status: criteria provided, multiple submitters, no conflicts (2 of 4 stars). 2 submissions from 2 submitters: Uncertain significance (2). Last evaluated 2025-05-02.

Conditions:
Multiple endocrine neoplasia, type 2 (MEN2). Identifiers: Orphanet 653, MedGen C4048306, MONDO:0019003. Disease mechanism: gain of function.
Hereditary cancer-predisposing syndrome. Also called: Hereditary neoplastic syndrome; Neoplastic Syndromes, Hereditary; Tumor predisposition; Hereditary Cancer Syndrome. Identifiers: Orphanet 140162, MedGen C0027672, MeSH D009386, MONDO:0015356.

Submissions (2):

Ambry Genetics
Classification: Uncertain significance for Hereditary cancer-predisposing syndrome. Last evaluated: 2025-05-02. Review status: criteria provided, single submitter. Criteria: Ambry Variant Classification Scheme 2023. Collection method: clinical testing. Allele origin: germline.
Comment: The p.A487G variant (also known as c.1460C>G), located in coding exon 7 of the RET gene, results from a C to G substitution at nucleotide position 1460. The alanine at codon 487 is replaced by glycine, an amino acid with similar properties. This amino acid position is conserved. In addition, the in silico prediction for this alteration is inconclusive. Based on the available evidence, the clinical significance of this variant remains unclear.

Labcorp Genetics (formerly Invitae), Labcorp
Classification: Uncertain significance for Multiple endocrine neoplasia, type 2. Last evaluated: 2024-02-17. Review status: criteria provided, single submitter. Criteria: Invitae Variant Classification Sherloc (09022015). Collection method: clinical testing. Allele origin: germline.
Comment: This sequence change replaces alanine, which is neutral and non-polar, with glycine, which is neutral and non-polar, at codon 487 of the RET protein (p.Ala487Gly). This variant is not present in population databases (gnomAD no frequency). This variant has not been reported in the literature in individuals affected with RET-related conditions. ClinVar contains an entry for this variant (Variation ID: 941266). An algorithm developed to predict the effect of missense changes on protein structure and function (PolyPhen-2) suggests that this variant is likely to be disruptive. In summary, the available evidence is currently insufficient to determine the role of this variant in disease. Therefore, it has been classified as a Variant of Uncertain Significance.